The following is an entry in ClinVar:

NM_005515.4(MNX1):c.899_914del (p.Lys300fs)

Gene: MNX1 (motor neuron and pancreas homeobox 1; minus strand). Cytogenetic location: 7q36.3.
Variant type: Deletion.
Coding change: c.899_914del on transcript NM_005515.4 (MANE Select); coding-DNA positions 899 to 914, 16 bases deleted (AAAAGGCCAAAGAGCA).
Protein change: p.Lys300fs; shifts the reading frame from lysine 300.
Molecular consequence: frameshift variant.
Genome position (GRCh38, 1-based): chr7:157,005,812-157,005,827, TGCTCTTTGGCCTTTT deleted on the plus strand (AAAAGGCCAAAGAGCA on the coding strand, the reverse complement: MNX1 is on the minus strand); deleting any 16 consecutive bases within chr7:157,005,812-157,005,831 gives the same sequence; the c. name uses the placement nearest the transcript's 3' end. VCF-style (leftmost placement, unchanged base first): chr7-157005811-CTGCTCTTTGGCCTTTT-C. GRCh37 (hg19) VCF-style: chr7-156798505-CTGCTCTTTGGCCTTTT-C.
Other names: c.899_914del16 (NM_005515.3); c.263_278del, p.Lys88fs (NM_001165255.2); short protein forms K300fs, K88fs.
Identifiers: ClinVar variation 3367870 (VCV003367870.2).
Genomic context (GRCh38, chr7:157,005,811, plus strand): 5'-CGCGCCGCCCTTCCCCGCGCCCCCGCCGCCGCCCTTCTGTTTCTCCGCTTCCTGCGCCGC[CTGCTCTTTGGCCTTTT>C]TGCTGCGTTTCCATTTCATCCGCCGGTTCTGGAACCAAATCTTCACCTGCGGGCACAAGC-3'

ClinVar aggregate classification (germline): Uncertain significance. Review status: criteria provided, multiple submitters, no conflicts (2 of 4 stars). 2 submissions from 2 submitters: Uncertain significance (2). Last evaluated 2024-12-17.

Conditions:
MNX1-related disorder. Also called: MNX1-related condition.

Submissions (2):

PreventionGenetics, part of Exact Sciences
Classification: Uncertain significance for MNX1-related condition. Last evaluated: 2024-12-17. Review status: criteria provided, single submitter. Criteria: ACMG Guidelines, 2015. Collection method: clinical testing. Allele origin: germline.
Comment: The MNX1 c.899_914del16 variant is predicted to result in a frameshift and premature protein termination (p.Lys300Argfs*47). To our knowledge, this variant has not been reported in the literature or in a large population database (gnomAD), indicating this variant is rare. This variant results in a premature termination codon in the final exon of this gene, and currently it is unclear if the resulting mRNA would undergo nonsense-mediated decay. Although we suspect that this variant may be pathogenic, at this time, the clinical significance of this variant is uncertain due to the absence of conclusive functional and genetic evidence.

GeneDx
Classification: Uncertain significance. Last evaluated: 2024-01-11. Review status: criteria provided, single submitter. Criteria: GeneDx Variant Classification Process June 2021. Collection method: clinical testing. Allele origin: germline. Affected: yes.
Comment: Not observed at significant frequency in large population cohorts (gnomAD); Frameshift variant predicted to result in abnormal protein length as the last 102 amino acids are replaced with 46 different amino acids; Has not been previously published as pathogenic or benign to our knowledge